The following is an entry in ClinVar:

ClinVar aggregate classification (germline): Uncertain significance. Review status: criteria provided, multiple submitters, no conflicts (2 of 4 stars). 2 submissions from 2 submitters: Uncertain significance (2). Last evaluated 2024-07-05.

Allele frequency attached by ClinVar (database versions not stated): gnomAD exomes below 0.00001; gnomAD 0.00001; TOPMed 0.00001.

Submissions (2):

Ambry Genetics
Classification: Uncertain significance. Last evaluated: 2024-07-05. Review status: criteria provided, single submitter. Criteria: Ambry Variant Classification Scheme 2023. Collection method: clinical testing. Allele origin: germline.

Labcorp Genetics (formerly Invitae), Labcorp
Classification: Uncertain significance. Last evaluated: 2024-07-04. Review status: criteria provided, single submitter. Criteria: Invitae Variant Classification Sherloc (09022015). Collection method: clinical testing. Allele origin: germline.
Comment: This sequence change replaces glycine, which is neutral and non-polar, with arginine, which is basic and polar, at codon 992 of the A2ML1 protein (p.Gly992Arg). This variant is not present in population databases (gnomAD no frequency). This variant has not been reported in the literature in individuals affected with A2ML1-related conditions. ClinVar contains an entry for this variant (Variation ID: 1414914). Algorithms developed to predict the effect of missense changes on protein structure and function output the following: SIFT: "Not Available"; PolyPhen-2: "Benign"; Align-GVGD: "Not Available". The arginine amino acid residue is found in multiple mammalian species, which suggests that this missense change does not adversely affect protein function. In summary, the available evidence is currently insufficient to determine the role of this variant in disease. Therefore, it has been classified as a Variant of Uncertain Significance.

NM_144670.6(A2ML1):c.2974G>C (p.Gly992Arg)

Gene: A2ML1 (alpha-2-macroglobulin like 1; plus strand). Cytogenetic location: 12p13.31.
Variant type: single nucleotide variant.
Coding change: c.2974G>C on transcript NM_144670.6 (MANE Select); coding-DNA position 2974, G replaced by C.
Protein change: p.Gly992Arg; replaces glycine 992 with arginine.
Molecular consequence: missense variant.
Genome position (GRCh38, 1-based): chr12:8,857,289, G>C. VCF-style: chr12-8857289-G-C. GRCh37 (hg19) VCF-style: chr12-9009885-G-C.
Other names: c.2974G>C (NM_144670.3); c.1501G>C, p.Gly501Arg (NM_001282424.3); short protein forms G501R, G992R.
Identifiers: ClinVar variation 1414914 (VCV001414914.7), dbSNP rs1944100418, ClinGen allele CA383836330.
Genomic context (GRCh38, chr12:8,857,289, plus strand): 5'-GAGCAGAACATGGTCTTGTTTGCTCCCATCATCTATGTCTTGCAGTACCTGGAGAAGGCA[G>C]GGCTGCTGACGGAGGAGATCAGGTCTCGGGCAGTGGGTTTCCTGGAAATAGGTAAGTTGG-3'
Protein context (NP_653271.3, residues 982-1002): IYVLQYLEKA[Gly992Arg]LLTEEIRSRA